The following is an entry in ClinVar:

ClinVar aggregate classification (germline): Uncertain significance (1 of 4 stars; one submission).

Conditions:
Congenital disorder of deglycosylation (CDDG). Identifiers: MedGen C3808991, MONDO:0031376.

Submission:

Labcorp Genetics (formerly Invitae), Labcorp
Classification: Uncertain significance for Congenital disorder of deglycosylation. Last evaluated: 2024-08-04. Review status: criteria provided, single submitter. Criteria: Invitae Variant Classification Sherloc (09022015). Collection method: clinical testing. Allele origin: germline.
Comment: This variant, c.1030_1032del, results in the deletion of 1 amino acid(s) of the NGLY1 protein (p.Pro344del), but otherwise preserves the integrity of the reading frame. This variant is not present in population databases (gnomAD no frequency). This variant has not been reported in the literature in individuals affected with NGLY1-related conditions. Experimental studies and prediction algorithms are not available or were not evaluated, and the functional significance of this variant is currently unknown. In summary, the available evidence is currently insufficient to determine the role of this variant in disease. Therefore, it has been classified as a Variant of Uncertain Significance.

NM_018297.4(NGLY1):c.1030_1032del (p.Pro344del)

Gene: NGLY1 (N-glycanase 1; minus strand). Cytogenetic location: 3p24.2.
Variant type: Deletion.
Coding change: c.1030_1032del on transcript NM_018297.4 (MANE Select); coding-DNA positions 1030 to 1032, 3 bases deleted (CCT; older notation c.1030_1032delCCT).
Protein change: p.Pro344del; deletes proline 344.
Molecular consequence: intron variant (on NM_001145293.2).
Genome position (GRCh38, 1-based): chr3:25,736,121-25,736,123, AGG deleted on the plus strand (CCT on the coding strand, the reverse complement: NGLY1 is on the minus strand); deleting any 3 consecutive bases within chr3:25,736,121-25,736,125 gives the same sequence; the c. name uses the placement nearest the transcript's 3' end. VCF-style (leftmost placement, unchanged base first): chr3-25736120-AAGG-A. GRCh37 (hg19) VCF-style: chr3-25777611-AAGG-A.
Other names: c.904_906del, p.Pro302del (NM_001145294.2); c.1030_1032del, p.Pro344del (NM_001145295.2); c.1095+186_1095+188del (NM_001145293.2); short protein forms P302del, P344del.
Identifiers: ClinVar variation 3697150 (VCV003697150.1).